The following is an entry in ClinVar:

ClinVar aggregate classification (germline): Uncertain significance (1 of 4 stars; one submission).

Conditions:
Baller-Gerold syndrome (BGS). Also called: CRANIOSYNOSTOSIS WITH RADIAL DEFECTS. Identifiers: Orphanet 1225, MedGen C0265308, MONDO:0009039, OMIM 218600.

Submission:

Labcorp Genetics (formerly Invitae), Labcorp
Classification: Uncertain significance for Baller-Gerold syndrome. Last evaluated: 2023-07-03. Review status: criteria provided, single submitter. Criteria: Invitae Variant Classification Sherloc (09022015). Collection method: clinical testing. Allele origin: germline.
Comment: In summary, the available evidence is currently insufficient to determine the role of this variant in disease. Therefore, it has been classified as a Variant of Uncertain Significance. Advanced modeling of protein sequence and biophysical properties (such as structural, functional, and spatial information, amino acid conservation, physicochemical variation, residue mobility, and thermodynamic stability) performed at Invitae indicates that this missense variant is expected to disrupt RECQL4 protein function. This variant has not been reported in the literature in individuals affected with RECQL4-related conditions. This variant is not present in population databases (gnomAD no frequency). This sequence change replaces alanine, which is neutral and non-polar, with glycine, which is neutral and non-polar, at codon 516 of the RECQL4 protein (p.Ala516Gly).

NM_004260.4(RECQL4):c.1547C>G (p.Ala516Gly)

Gene: RECQL4 (RecQ like helicase 4; minus strand). Cytogenetic location: 8q24.3.
Variant type: single nucleotide variant.
Coding change: c.1547C>G on transcript NM_004260.4 (MANE Select); coding-DNA position 1547, C replaced by G.
Protein change: p.Ala516Gly; replaces alanine 516 with glycine.
Molecular consequence: missense variant. On other transcripts: non-coding transcript variant (3).
Genome position (GRCh38, 1-based): chr8:144,515,009, G>C on the plus strand (C>G on the coding strand, the complement: RECQL4 is on the minus strand). VCF-style: chr8-144515009-G-C. GRCh37 (hg19) VCF-style: chr8-145740393-G-C.
Other names: c.476C>G, p.Ala159Gly (NM_001413034.1, NM_001413035.1, NM_001413037.1 and 7 more transcripts); c.1547C>G, p.Ala516Gly (NM_001413036.1, NM_001413018.1, NM_001413019.1 and 1 more transcripts); c.1517C>G, p.Ala506Gly (NM_001413039.1); c.410C>G, p.Ala137Gly (NM_001413041.1, NM_001413027.1, NM_001413030.1 and 2 more transcripts); c.446C>G, p.Ala149Gly (NM_001413042.1); c.80C>G, p.Ala27Gly (NM_001413043.1); c.1451C>G, p.Ala484Gly (NM_001413017.1, NM_001413020.1); c.1418C>G, p.Ala473Gly (NM_001413025.1); and 1 more; short protein forms A137G, A27G, A399G, A149G, A159G, A516G, A473G, A484G.
Identifiers: ClinVar variation 2849636 (VCV002849636.3), dbSNP rs762113412, ClinGen allele CA372683891.